The following is an entry in ClinVar:

NM_000122.2(ERCC3):c.131A>G (p.Lys44Arg)

Gene: ERCC3 (ERCC excision repair 3, TFIIH core complex helicase subunit; minus strand). Cytogenetic location: 2q14.3.
Variant type: single nucleotide variant.
Coding change: c.131A>G on transcript NM_000122.2 (MANE Select); coding-DNA position 131, A replaced by G.
Protein change: p.Lys44Arg; replaces lysine 44 with arginine.
Molecular consequence: missense variant. On other transcripts: 5 prime UTR variant (2).
Genome position (GRCh38, 1-based): chr2:127,293,616, T>C on the plus strand (A>G on the coding strand, the complement: ERCC3 is on the minus strand). VCF-style: chr2-127293616-T-C. GRCh37 (hg19) VCF-style: chr2-128051192-T-C.
Other names: c.-62A>G (NM_001303416.2, NM_001303418.2); short protein forms K44R.
Identifiers: ClinVar variation 893902 (VCV000893902.7), dbSNP rs771345526, ClinGen allele CA1858615.
Genomic context (GRCh38, chr2:127,293,616, plus strand): 5'-TGCAGCCTGTAGTCCTTGGCTCCATATTCATCCACTTTGGTGCCTGACTCATCCACCTGC[T>C]TCCCCGCCGCCGAGGGAACCGCTTCCTGAGGGTCGTTCCCCGGGGCGTCCTCTTCATCAT-3'
Protein context (NP_000113.1, residues 34-54): PQEAVPSAAG[Lys44Arg]QVDESGTKVD

ClinVar aggregate classification (germline): Uncertain significance. Review status: criteria provided, multiple submitters, no conflicts (2 of 4 stars). 3 submissions from 3 submitters: Uncertain significance (3). Last evaluated 2025-11-20.

Conditions:
Inborn genetic diseases. Identifiers: MedGen C0950123, MeSH D030342.
Xeroderma pigmentosum group B. Also called: XP, GROUP B; XPB/CS; XERODERMA PIGMENTOSUM B/COCKAYNE SYNDROME; ERCC3-Related Xeroderma Pigmentosum. Identifiers: MedGen C0268136, MONDO:0012531, OMIM 610651.

Allele frequency attached by ClinVar (database versions not stated): gnomAD 0.00001 and 0.00002; gnomAD exomes 0.00001 and 0.00003; TOPMed 0.00001; ExAC 0.00002.
gnomAD v4.1: 19 of 1,614,070 alleles (0.0012%); highest among the groups gnomAD compares: South Asian, 0.0011%; no homozygotes.

Submissions (3):

Ambry Genetics
Classification: Uncertain significance for Inborn genetic diseases. Last evaluated: 2025-11-20. Review status: criteria provided, single submitter. Criteria: Ambry Variant Classification Scheme 2023. Collection method: clinical testing. Allele origin: germline.

Labcorp Genetics (formerly Invitae), Labcorp
Classification: Uncertain significance. Last evaluated: 2021-12-23. Review status: criteria provided, single submitter. Criteria: Invitae Variant Classification Sherloc (09022015). Collection method: clinical testing. Allele origin: germline.
Comment: This sequence change replaces lysine, which is basic and polar, with arginine, which is basic and polar, at codon 44 of the ERCC3 protein (p.Lys44Arg). This variant is present in population databases (rs771345526, gnomAD 0.06%). This variant has not been reported in the literature in individuals affected with ERCC3-related conditions. ClinVar contains an entry for this variant (Variation ID: 893902). Algorithms developed to predict the effect of missense changes on protein structure and function (SIFT, PolyPhen-2, Align-GVGD) all suggest that this variant is likely to be tolerated. In summary, the available evidence is currently insufficient to determine the role of this variant in disease. Therefore, it has been classified as a Variant of Uncertain Significance.

Illumina Laboratory Services, Illumina
Classification: Uncertain significance for Xeroderma pigmentosum group B. Last evaluated: 2018-01-12. Review status: criteria provided, single submitter. Criteria: ICSL Variant Classification Criteria 13 December 2019. Collection method: clinical testing. Allele origin: germline.